The following is an entry in ClinVar:

NM_016247.4(IMPG2):c.710C>T (p.Pro237Leu)

Gene: IMPG2 (interphotoreceptor matrix proteoglycan 2; minus strand). Cytogenetic location: 3q12.3.
Variant type: single nucleotide variant.
Coding change: c.710C>T on transcript NM_016247.4 (MANE Select); coding-DNA position 710, C replaced by T.
Protein change: p.Pro237Leu; replaces proline 237 with leucine.
Molecular consequence: missense variant.
Genome position (GRCh38, 1-based): chr3:101,273,699, G>A on the plus strand (C>T on the coding strand, the complement: IMPG2 is on the minus strand). VCF-style: chr3-101273699-G-A. GRCh37 (hg19) VCF-style: chr3-100992543-G-A.
Other names: short protein forms P237L.
Identifiers: ClinVar variation 1063213 (VCV001063213.7), dbSNP rs1706811998, ClinGen allele CA353868086.

ClinVar aggregate classification (germline): Uncertain significance. Review status: criteria provided, multiple submitters, no conflicts (2 of 4 stars). 2 submissions from 2 submitters: Uncertain significance (2). Last evaluated 2021-09-02.

Submissions (2):

Labcorp Genetics (formerly Invitae), Labcorp
Classification: Uncertain significance. Last evaluated: 2021-09-02. Review status: criteria provided, single submitter. Criteria: Invitae Variant Classification Sherloc (09022015). Collection method: clinical testing. Allele origin: germline.
Comment: This sequence change replaces proline with leucine at codon 237 of the IMPG2 protein (p.Pro237Leu). The proline residue is highly conserved and there is a moderate physicochemical difference between proline and leucine. This variant is not present in population databases (ExAC no frequency). This variant has not been reported in the literature in individuals affected with IMPG2-related conditions. Algorithms developed to predict the effect of missense changes on protein structure and function output the following: SIFT: "Deleterious"; PolyPhen-2: "Benign"; Align-GVGD: "Class C25". The leucine amino acid residue is found in multiple mammalian species, which suggests that this missense change does not adversely affect protein function. In summary, the available evidence is currently insufficient to determine the role of this variant in disease. Therefore, it has been classified as a Variant of Uncertain Significance.

Blueprint Genetics
Classification: Uncertain significance. Last evaluated: 2018-11-14. Review status: criteria provided, single submitter. Criteria: ACMG Guidelines, 2015. Collection method: clinical testing. Allele origin: germline.